The following is an entry in ClinVar:

NM_001378454.1(ALMS1):c.5484G>T (p.Leu1828Phe)

Gene: ALMS1 (ALMS1 centrosome and basal body associated protein; plus strand). Cytogenetic location: 2p13.1.
Variant type: single nucleotide variant.
Coding change: c.5484G>T on transcript NM_001378454.1 (MANE Select); coding-DNA position 5484, G replaced by T.
Protein change: p.Leu1828Phe; replaces leucine 1828 with phenylalanine.
Molecular consequence: missense variant.
Genome position (GRCh38, 1-based): chr2:73,452,011, G>T. VCF-style: chr2-73452011-G-T. GRCh37 (hg19) VCF-style: chr2-73679138-G-T.
Other names: c.5487G>T, p.Leu1829Phe (NM_015120.4); short protein forms L1829F, L1828F.
Identifiers: ClinVar variation 554627 (VCV000554627.11), dbSNP rs376996058, ClinGen allele CA1713894.

ClinVar aggregate classification (germline): Uncertain significance. Review status: criteria provided, multiple submitters, no conflicts (2 of 4 stars). 5 submissions from 5 submitters: Uncertain significance (3). 2 of the submissions do not count toward it. Last evaluated 2022-09-27.

Conditions:
Alstrom syndrome (ALMS). Identifiers: Orphanet 64, MedGen C0268425, MONDO:0008763, OMIM 203800.
Cardiovascular phenotype. Identifiers: MedGen CN230736.

Allele frequency attached by ClinVar (database versions not stated): gnomAD 0.00001; gnomAD exomes 0.00001 and 0.00002; ExAC 0.00002; TOPMed 0.00002; ESP Exome Variant Server 0.00008.
gnomAD v4.1: 9 of 1,613,638 alleles (0.00056%); highest among the groups gnomAD compares: Non-Finnish European, 0.00076%; no homozygotes.

Submissions (5):

Ambry Genetics
Classification: Uncertain significance for Cardiovascular phenotype. Last evaluated: 2022-09-27. Review status: criteria provided, single submitter. Criteria: Ambry Variant Classification Scheme 2023. Collection method: clinical testing. Allele origin: germline.
Comment: The p.L1829F variant (also known as c.5487G>T), located in coding exon 8 of the ALMS1 gene, results from a G to T substitution at nucleotide position 5487. The leucine at codon 1829 is replaced by phenylalanine, an amino acid with highly similar properties. This amino acid position is well conserved in available vertebrate species. In addition, this alteration is predicted to be tolerated by in silico analysis. Since supporting evidence is limited at this time, the clinical significance of this alteration remains unclear.

GeneDx
Classification: Uncertain significance. Last evaluated: 2020-06-01. Review status: criteria provided, single submitter. Criteria: GeneDx Variant Classification Process June 2021. Collection method: clinical testing. Allele origin: germline. Affected: yes.
Comment: Not observed at a significant frequency in large population cohorts (Lek et al., 2016); In silico analysis, which includes protein predictors and evolutionary conservation, supports that this variant does not alter protein structure/function; Has not been previously published as pathogenic or benign to our knowledge

Breakthrough Genomics
Classification: Uncertain significance. Review status: criteria provided, single submitter. Criteria: ACMG Guidelines, 2015. Collection method: not provided. Allele origin: germline. Inheritance: Autosomal recessive inheritance. Affected: yes.

Natera, Inc.
Classification: Uncertain significance for Alstrom syndrome. Last evaluated: 2019-10-28. Review status: no assertion criteria provided. Collection method: clinical testing. Allele origin: germline. Not counted in ClinVar's aggregate classification.

Counsyl
Classification: Uncertain significance for Alstrom syndrome. Last evaluated: 2017-10-27. Review status: no assertion criteria provided. Collection method: clinical testing. Allele origin: unknown. Not counted in ClinVar's aggregate classification.